The following is an entry in ClinVar:

NM_001005361.3(DNM2):c.1588A>G (p.Asn530Asp)

Gene: DNM2 (dynamin 2; plus strand). Cytogenetic location: 19p13.2.
Variant type: single nucleotide variant.
Coding change: c.1588A>G on transcript NM_001005361.3 (MANE Select); coding-DNA position 1588, A replaced by G.
Protein change: p.Asn530Asp; replaces asparagine 530 with aspartic acid.
Molecular consequence: missense variant.
Genome position (GRCh38, 1-based): chr19:10,812,294, A>G. VCF-style: chr19-10812294-A-G. GRCh37 (hg19) VCF-style: chr19-10922970-A-G.
Other names: c.1588A>G, p.Asn530Asp (NM_001005360.3, NM_001190716.2); c.1576A>G, p.Asn526Asp (NM_001005362.3, NM_004945.4); short protein forms N526D, N530D.
Identifiers: ClinVar variation 4869993 (VCV004869993.1).

ClinVar aggregate classification (germline): Uncertain significance (1 of 4 stars; one submission).

Conditions:
Inborn genetic diseases. Identifiers: MedGen C0950123, MeSH D030342.

Submission:

Ambry Genetics
Classification: Uncertain significance for Inborn genetic diseases. Last evaluated: 2026-04-08. Review status: criteria provided, single submitter. Criteria: Ambry Variant Classification Scheme 2023. Collection method: clinical testing. Allele origin: germline.
Comment: The c.1588A>G (p.N530D) alteration is located in exon 15 (coding exon 15) of the DNM2 gene. This alteration results from an A to G substitution at nucleotide position 1588, causing the asparagine (N) at amino acid position 530 to be replaced by an aspartic acid (D). This variant was not reported in population-based cohorts in the Genome Aggregation Database (gnomAD). This amino acid position is highly conserved in available vertebrate species. The in silico prediction for this alteration is inconclusive. Based on insufficient or conflicting evidence, the clinical significance of this alteration remains unclear.